The following is an entry in ClinVar:

NM_020631.6(PLEKHG5):c.2316C>T (p.Ser772=)

Gene: PLEKHG5 (pleckstrin homology and RhoGEF domain containing G5; minus strand). Cytogenetic location: 1p36.31.
Variant type: single nucleotide variant.
Coding change: c.2316C>T on transcript NM_020631.6 (MANE Select); coding-DNA position 2316, C replaced by T.
Protein change: p.Ser772=; no amino-acid change (serine 772 retained).
Molecular consequence: synonymous variant.
Genome position (GRCh38, 1-based): chr1:6,468,520, G>A on the plus strand (C>T on the coding strand, the complement: PLEKHG5 is on the minus strand). VCF-style: chr1-6468520-G-A. GRCh37 (hg19) VCF-style: chr1-6528580-G-A.
Other names: c.2427C>T, p.Ser809= (NM_001042663.3, NM_001265592.2); c.2316C>T, p.Ser772= (NM_001042664.2, NM_001042665.2, NM_001265594.3 and 1 more transcripts); c.2523C>T, p.Ser841= (NM_001265593.2).
Identifiers: ClinVar variation 1559729 (VCV001559729.30), dbSNP rs1342219532, ClinGen allele CA416022224.

ClinVar aggregate classification (germline): Likely benign. Review status: criteria provided, multiple submitters, no conflicts (2 of 4 stars). 2 submissions from 2 submitters: Likely benign (2). Last evaluated 2024-02-01.

Conditions:
Charcot-Marie-Tooth disease recessive intermediate C. Also called: CHARCOT-MARIE-TOOTH NEUROPATHY, RECESSIVE INTERMEDIATE C. Identifiers: Orphanet 369867, MedGen C3809309, MONDO:0014154, OMIM 615376.
Neuronopathy, distal hereditary motor, autosomal recessive 4. Also called: Autosomal recessive lower motor neuron disease with childhood onset; NEUROPATHY, DISTAL HEREDITARY MOTOR, AUTOSOMAL RECESSIVE 4. Identifiers: Orphanet 206580, MedGen C1970211, MONDO:0012608, OMIM 611067.

Allele frequency attached by ClinVar (database versions not stated): gnomAD exomes below 0.00001; TOPMed below 0.00001; gnomAD 0.00001.
gnomAD v4.1: 1 of 1,612,806 alleles (0.000062%); highest among the groups gnomAD compares: Non-Finnish European, 0.000085%; no homozygotes.

Submissions (2):

CeGaT Center for Human Genetics Tuebingen
Classification: Likely benign. Last evaluated: 2024-02-01. Review status: criteria provided, single submitter. Criteria: CeGaT Center For Human Genetics Tuebingen Variant Classification Criteria Version 2. Collection method: clinical testing. Allele origin: germline. Affected: yes. Observed: 1 variant allele.
Comment: PLEKHG5: BP4, BP7

Labcorp Genetics (formerly Invitae), Labcorp
Classification: Likely benign for Neuronopathy, distal hereditary motor, autosomal recessive 4; Charcot-Marie-Tooth disease recessive intermediate C. Last evaluated: 2023-03-07. Review status: criteria provided, single submitter. Criteria: Invitae Variant Classification Sherloc (09022015). Collection method: clinical testing. Allele origin: germline.